The following is an entry in ClinVar:

NM_002734.5(PRKAR1A):c.550-4T>C

Gene: PRKAR1A (protein kinase cAMP-dependent type I regulatory subunit alpha; plus strand). Cytogenetic location: 17q24.2.
Variant type: single nucleotide variant.
Coding change: c.550-4T>C on transcript NM_002734.5 (MANE Select); 4 bases into the intron before coding-DNA position 550, T replaced by C.
Molecular consequence: intron variant.
Genome position (GRCh38, 1-based): chr17:68,525,750, T>C. VCF-style: chr17-68525750-T-C. GRCh37 (hg19) VCF-style: chr17-66521891-T-C.
Other names: c.550-4T>C (NM_001278433.2, NM_001369389.1, NM_212471.3 and 4 more transcripts).
Identifiers: ClinVar variation 1748001 (VCV001748001.2), dbSNP rs2509418526, ClinGen allele CA2580095083.

ClinVar aggregate classification (germline): Uncertain significance (1 of 4 stars; one submission).

Conditions:
Hereditary cancer-predisposing syndrome. Also called: Hereditary Cancer Syndrome; Hereditary neoplastic syndrome; Neoplastic Syndromes, Hereditary; Tumor predisposition. Identifiers: Orphanet 140162, MedGen C0027672, MeSH D009386, MONDO:0015356.

Submission:

Ambry Genetics
Classification: Uncertain significance for Hereditary cancer-predisposing syndrome. Last evaluated: 2021-09-27. Review status: criteria provided, single submitter. Criteria: Ambry Variant Classification Scheme 2023. Collection method: clinical testing. Allele origin: germline.
Comment: The c.550-4T>C intronic variant results from a T to C substitution 4 nucleotides upstream from coding exon 6 in the PRKAR1A gene. This nucleotide position is well conserved in available vertebrate species. In silico splice site analysis predicts that this alteration will not have any significant effect on splicing. Since supporting evidence is limited at this time, the clinical significance of this alteration remains unclear.